The following is an entry in ClinVar:

ClinVar aggregate classification (germline): Uncertain significance (1 of 4 stars; one submission).

Conditions:
Neurodevelopmental disorder with or without hyperkinetic movements and seizures, autosomal dominant. Also called: Intellectual disability, autosomal dominant 8. Identifiers: MedGen C3280282, MONDO:0013655, OMIM 614254.

Submission:

Labcorp Genetics (formerly Invitae), Labcorp
Classification: Uncertain significance for Neurodevelopmental disorder with or without hyperkinetic movements and seizures, autosomal dominant. Last evaluated: 2022-10-10. Review status: criteria provided, single submitter. Criteria: Invitae Variant Classification Sherloc (09022015). Collection method: clinical testing. Allele origin: germline.
Comment: This variant has not been reported in the literature in individuals affected with GRIN1-related conditions. In summary, the available evidence is currently insufficient to determine the role of this variant in disease. Therefore, it has been classified as a Variant of Uncertain Significance. Advanced modeling of protein sequence and biophysical properties (such as structural, functional, and spatial information, amino acid conservation, physicochemical variation, residue mobility, and thermodynamic stability) has been performed at Invitae for this missense variant, however the output from this modeling did not meet the statistical confidence thresholds required to predict the impact of this variant on GRIN1 protein function. This variant is not present in population databases (gnomAD no frequency). This sequence change replaces glycine, which is neutral and non-polar, with arginine, which is basic and polar, at codon 418 of the GRIN1 protein (p.Gly418Arg).

NM_007327.4(GRIN1):c.1252G>A (p.Gly418Arg)

Gene: GRIN1 (glutamate ionotropic receptor NMDA type subunit 1; plus strand). Cytogenetic location: 9q34.3.
Variant type: single nucleotide variant.
Coding change: c.1252G>A on transcript NM_007327.4 (MANE Select); coding-DNA position 1252, G replaced by A.
Protein change: p.Gly418Arg; replaces glycine 418 with arginine.
Molecular consequence: missense variant.
Genome position (GRCh38, 1-based): chr9:137,161,110, G>A. VCF-style: chr9-137161110-G-A. GRCh37 (hg19) VCF-style: chr9-140055562-G-A.
Other names: c.1252G>A, p.Gly418Arg (NM_000832.7, NM_021569.4); c.1315G>A, p.Gly439Arg (NM_001185090.2, NM_001185091.2); short protein forms G418R, G439R.
Identifiers: ClinVar variation 1719346 (VCV001719346.6), dbSNP rs2538624129, ClinGen allele CA375715947.